The following is an entry in ClinVar:

ClinVar aggregate classification (germline): Uncertain significance. Review status: criteria provided, multiple submitters, no conflicts (2 of 4 stars). 2 submissions from 2 submitters: Uncertain significance (2). Last evaluated 2024-12-04.

Conditions:
Hereditary cancer-predisposing syndrome. Also called: Hereditary neoplastic syndrome; Neoplastic Syndromes, Hereditary; Tumor predisposition; Hereditary Cancer Syndrome. Identifiers: Orphanet 140162, MedGen C0027672, MeSH D009386, MONDO:0015356.

Submissions (2):

Labcorp Genetics (formerly Invitae), Labcorp
Classification: Uncertain significance. Last evaluated: 2024-12-04. Review status: criteria provided, single submitter. Criteria: Invitae Variant Classification Sherloc (09022015). Collection method: clinical testing. Allele origin: germline.
Comment: This sequence change replaces aspartic acid, which is acidic and polar, with glutamic acid, which is acidic and polar, at codon 1701 of the POLE protein (p.Asp1701Glu). This variant is not present in population databases (gnomAD no frequency). This variant has not been reported in the literature in individuals affected with POLE-related conditions. ClinVar contains an entry for this variant (Variation ID: 1004340). Invitae Evidence Modeling of protein sequence and biophysical properties (such as structural, functional, and spatial information, amino acid conservation, physicochemical variation, residue mobility, and thermodynamic stability) indicates that this missense variant is not expected to disrupt POLE protein function with a negative predictive value of 80%. In summary, the available evidence is currently insufficient to determine the role of this variant in disease. Therefore, it has been classified as a Variant of Uncertain Significance.

Ambry Genetics
Classification: Uncertain significance for Hereditary cancer-predisposing syndrome. Last evaluated: 2021-12-03. Review status: criteria provided, single submitter. Criteria: Ambry Variant Classification Scheme 2023. Collection method: clinical testing. Allele origin: germline.
Comment: The p.D1701E variant (also known as c.5103C>G), located in coding exon 38 of the POLE gene, results from a C to G substitution at nucleotide position 5103. The aspartic acid at codon 1701 is replaced by glutamic acid, an amino acid with highly similar properties. This amino acid position is conserved. In addition, the in silico prediction for this alteration is inconclusive. Since supporting evidence is limited at this time, the clinical significance of this alteration remains unclear.

NM_006231.4(POLE):c.5103C>G (p.Asp1701Glu)

Gene: POLE (DNA polymerase epsilon, catalytic subunit; minus strand). Cytogenetic location: 12q24.33.
Variant type: single nucleotide variant.
Coding change: c.5103C>G on transcript NM_006231.4 (MANE Select); coding-DNA position 5103, C replaced by G.
Protein change: p.Asp1701Glu; replaces aspartic acid 1701 with glutamic acid.
Molecular consequence: missense variant.
Genome position (GRCh38, 1-based): chr12:132,642,247, G>C on the plus strand (C>G on the coding strand, the complement: POLE is on the minus strand). VCF-style: chr12-132642247-G-C. GRCh37 (hg19) VCF-style: chr12-133218833-G-C.
Other names: short protein forms D1701E.
Identifiers: ClinVar variation 1004340 (VCV001004340.12), dbSNP rs2042161965, ClinGen allele CA387376908.